The following is an entry in ClinVar:

ClinVar aggregate classification (germline): Pathogenic (1 of 4 stars; one submission).

Submission:

Labcorp Genetics (formerly Invitae), Labcorp
Classification: Pathogenic. Last evaluated: 2020-09-26. Review status: criteria provided, single submitter. Criteria: Invitae Variant Classification Sherloc (09022015). Collection method: clinical testing. Allele origin: germline.
Comment: This sequence change creates a premature translational stop signal (p.Gly1123Argfs*47) in the COL27A1 gene. It is expected to result in an absent or disrupted protein product. This variant is not present in population databases (ExAC no frequency). This variant has not been reported in the literature in individuals with COL27A1-related conditions. Loss-of-function variants in COL27A1 are known to be pathogenic (PMID: 24986830, 28276056). For these reasons, this variant has been classified as Pathogenic.

Literature cited by the submitters: PubMed 24986830; PubMed 28276056.

NM_032888.4(COL27A1):c.3365dup (p.Gly1123fs)

Gene: COL27A1 (collagen type XXVII alpha 1 chain; plus strand). Cytogenetic location: 9q32.
Variant type: Duplication.
Coding change: c.3365dup on transcript NM_032888.4 (MANE Select); coding-DNA position 3365, one base duplicated (C; older notation c.3365dupC).
Protein change: p.Gly1123fs; shifts the reading frame from glycine 1123.
Molecular consequence: frameshift variant.
Genome position (GRCh38, 1-based): chr9:114,265,447, C duplicated; the last of 6 consecutive C bases (chr9:114,265,442-114,265,447); duplicating any one gives the same sequence. VCF-style (leftmost placement, unchanged base first): chr9-114265441-G-GC. GRCh37 (hg19) VCF-style: chr9-117027721-G-GC.
Other names: short protein forms G1123fs.
Identifiers: ClinVar variation 1072509 (VCV001072509.7), dbSNP rs1431754712, ClinGen allele CA590132199.